The following is an entry in ClinVar:

NM_004360.5(CDH1):c.235A>G (p.Thr79Ala)

Gene: CDH1 (cadherin 1; plus strand). Cytogenetic location: 16q22.1.
Variant type: single nucleotide variant.
Coding change: c.235A>G on transcript NM_004360.5 (MANE Select); coding-DNA position 235, A replaced by G.
Protein change: p.Thr79Ala; replaces threonine 79 with alanine.
Molecular consequence: missense variant. On other transcripts: 5 prime UTR variant (2).
Genome position (GRCh38, 1-based): chr16:68,801,741, A>G. VCF-style: chr16-68801741-A-G. GRCh37 (hg19) VCF-style: chr16-68835644-A-G.
Other names: c.235A>G (NM_004360.3); c.235A>G, p.Thr79Ala (NM_001317184.2); c.-1381A>G (NM_001317185.2); c.-1585A>G (NM_001317186.2); short protein forms T79A.
Identifiers: ClinVar variation 920055 (VCV000920055.11), dbSNP rs745327620, ClinGen allele CA283291297.

ClinVar aggregate classification (germline): Conflicting classifications of pathogenicity. Review status: criteria provided, conflicting classifications (1 of 4 stars). 3 submissions from 3 submitters: Uncertain significance (2); Likely benign (1). Last evaluated 2025-01-26.

Conditions:
Hereditary cancer-predisposing syndrome. Also called: Hereditary Cancer Syndrome; Hereditary neoplastic syndrome; Neoplastic Syndromes, Hereditary; Tumor predisposition. Identifiers: Orphanet 140162, MedGen C0027672, MeSH D009386, MONDO:0015356.
Hereditary diffuse gastric adenocarcinoma (HDGC). Also called: DIFFUSE GASTRIC AND LOBULAR BREAST CANCER SYNDROME. Identifiers: Orphanet 26106, MedGen C1708349, MONDO:0007648, OMIM 137215.

Allele frequency attached by ClinVar (database versions not stated): gnomAD exomes 0.00001.
gnomAD v4.1: 9 of 1,614,200 alleles (0.00056%); highest among the groups gnomAD compares: Non-Finnish European, 0.00076%; no homozygotes.

Submissions (3):

Labcorp Genetics (formerly Invitae), Labcorp
Classification: Uncertain significance for Hereditary diffuse gastric adenocarcinoma. Last evaluated: 2025-01-26. Review status: criteria provided, single submitter. Criteria: Invitae Variant Classification Sherloc (09022015). Collection method: clinical testing. Allele origin: germline.
Comment: This sequence change replaces threonine, which is neutral and polar, with alanine, which is neutral and non-polar, at codon 79 of the CDH1 protein (p.Thr79Ala). This variant is not present in population databases (gnomAD no frequency). This missense change has been observed in individual(s) with breast cancer (PMID: 30287823). ClinVar contains an entry for this variant (Variation ID: 920055). An algorithm developed to predict the effect of missense changes on protein structure and function (PolyPhen-2) suggests that this variant is likely to be tolerated. In summary, the available evidence is currently insufficient to determine the role of this variant in disease. Therefore, it has been classified as a Variant of Uncertain Significance.

Ambry Genetics
Classification: Likely benign for Hereditary cancer-predisposing syndrome. Last evaluated: 2024-07-10. Review status: criteria provided, single submitter. Criteria: Ambry Variant Classification Scheme 2023. Collection method: clinical testing. Allele origin: germline.

Color Diagnostics, LLC DBA Color Health
Classification: Uncertain significance for Hereditary cancer-predisposing syndrome. Last evaluated: 2018-11-09. Review status: criteria provided, single submitter. Criteria: ACMG Guidelines, 2015. Collection method: clinical testing. Allele origin: germline.

Literature cited by the submitters: PubMed 30287823 (cited by Labcorp Genetics (formerly Invitae), Labcorp).